The following is an entry in ClinVar:

NM_020207.7(ERCC6L2):c.571C>A (p.Pro191Thr)

Gene: ERCC6L2 (ERCC excision repair 6 like 2; plus strand). Cytogenetic location: 9q22.32.
Variant type: single nucleotide variant.
Coding change: c.571C>A on transcript NM_020207.7 (MANE Select); coding-DNA position 571, C replaced by A.
Protein change: p.Pro191Thr; replaces proline 191 with threonine.
Molecular consequence: missense variant. On other transcripts: non-coding transcript variant (1).
Genome position (GRCh38, 1-based): chr9:95,897,948, C>A. VCF-style: chr9-95897948-C-A. GRCh37 (hg19) VCF-style: chr9-98660230-C-A.
Other names: c.571C>A, p.Pro191Thr (NM_001010895.4, NM_001375291.1, NM_001375292.1 and 2 more transcripts); short protein forms P191T.
Identifiers: ClinVar variation 3845971 (VCV003845971.1).
Genomic context (GRCh38, chr9:95,897,948, plus strand): 5'-ACTCGTGAGGATATTGAAAATAACATGCCAGAGTTTTTACTAAGAAGTATGAAAAAGGAA[C>A]CCCTTTCTTCTACAGCAAAAAAGGTAAAATCTCTAGACAATGTATATTCTACTCATGATG-3'
Protein context (NP_064592.3, residues 181-201): EFLLRSMKKE[Pro191Thr]LSSTAKKMFL

ClinVar aggregate classification (germline): Uncertain significance (1 of 4 stars; one submission).

Conditions:
Inborn genetic diseases. Identifiers: MedGen C0950123, MeSH D030342.

Submission:

Ambry Genetics
Classification: Uncertain significance for Inborn genetic diseases. Last evaluated: 2025-03-01. Review status: criteria provided, single submitter. Criteria: Ambry Variant Classification Scheme 2023. Collection method: clinical testing. Allele origin: germline.
Comment: The p.P191T variant (also known as c.571C>A), located in coding exon 3 of the ERCC6L2 gene, results from a C to A substitution at nucleotide position 571. The proline at codon 191 is replaced by threonine, an amino acid with highly similar properties. This amino acid position is conserved. In addition, this alteration is predicted to be tolerated by in silico analysis. Based on the available evidence, the clinical significance of this variant remains unclear.